The following is an entry in ClinVar:

ClinVar aggregate classification (germline): Uncertain significance. Review status: criteria provided, multiple submitters, no conflicts (2 of 4 stars). 2 submissions from 2 submitters: Uncertain significance (2). Last evaluated 2026-08-25.

Conditions:
Inborn genetic diseases. Identifiers: MedGen C0950123, MeSH D030342.

gnomAD v4.1: 48 of 1,613,244 alleles (0.003%); highest among the groups gnomAD compares: Non-Finnish European, 0.0028%; no homozygotes.

Submissions (2):

GeneDx
Classification: Uncertain significance. Last evaluated: 2026-08-25. Review status: criteria provided, single submitter. Criteria: GeneDx Variant Classification Process June 2021. Collection method: clinical testing. Allele origin: germline.
Comment: In silico analysis supports that this missense variant has a deleterious effect on protein structure/function; Has not been previously published as pathogenic or benign to our knowledge

Ambry Genetics
Classification: Uncertain significance for Inborn genetic diseases. Last evaluated: 2025-06-22. Review status: criteria provided, single submitter. Criteria: Ambry Variant Classification Scheme 2023. Collection method: clinical testing. Allele origin: germline.

NM_001145809.2(MYH14):c.4591C>T (p.Arg1531Trp)

Gene: MYH14 (myosin heavy chain 14; plus strand). Cytogenetic location: 19q13.33.
Variant type: single nucleotide variant.
Coding change: c.4591C>T on transcript NM_001145809.2 (MANE Select); coding-DNA position 4591, C replaced by T.
Protein change: p.Arg1531Trp; replaces arginine 1531 with tryptophan.
Molecular consequence: missense variant.
Genome position (GRCh38, 1-based): chr19:50,286,533, C>T. VCF-style: chr19-50286533-C-T. GRCh37 (hg19) VCF-style: chr19-50789790-C-T.
Other names: c.4492C>T, p.Arg1498Trp (NM_001077186.2); c.4468C>T, p.Arg1490Trp (NM_024729.4); short protein forms R1490W, R1498W, R1531W.
Identifiers: ClinVar variation 4114655 (VCV004114655.3).